The following is an entry in ClinVar:

NM_080680.3(COL11A2):c.1636C>G (p.Arg546Gly)

Gene: COL11A2 (collagen type XI alpha 2 chain; minus strand). Cytogenetic location: 6p21.32.
Variant type: single nucleotide variant.
Coding change: c.1636C>G on transcript NM_080680.3 (MANE Select); coding-DNA position 1636, C replaced by G.
Protein change: p.Arg546Gly; replaces arginine 546 with glycine.
Molecular consequence: missense variant.
Genome position (GRCh38, 1-based): chr6:33,178,949, G>C on the plus strand (C>G on the coding strand, the complement: COL11A2 is on the minus strand). VCF-style: chr6-33178949-G-C. GRCh37 (hg19) VCF-style: chr6-33146726-G-C.
Other names: c.1315C>G, p.Arg439Gly (NM_080679.3); c.1378C>G, p.Arg460Gly (NM_080681.3); short protein forms R439G, R460G, R546G.
Identifiers: ClinVar variation 1217006 (VCV001217006.14), dbSNP rs149697159, ClinGen allele CA3751277.
Genomic context (GRCh38, chr6:33,178,949, plus strand): 5'-CAGGCTTCAGGGAGGGGCCCAAGCCTGTTACCTTCACTCCAGGATCTCCAGGCATCCCTC[G>C]GGCTCCATCAGCACCTGCCCGGCCCTGGGAGAACAAGGGAAGTGTCAGAACAAGCAGGGC-3'
Protein context (NP_542411.2, residues 536-556): RRGRAGADGA[Arg546Gly]GMPGDPGVKG

ClinVar aggregate classification (germline): Conflicting classifications of pathogenicity. Review status: criteria provided, conflicting classifications (1 of 4 stars). 4 submissions from 4 submitters: Uncertain significance (3); Likely benign (1). Last evaluated 2026-01-02.

Conditions:
Inborn genetic diseases. Identifiers: MedGen C0950123, MeSH D030342.

Allele frequency attached by ClinVar (database versions not stated): gnomAD exomes 0.00006; ExAC 0.00009; gnomAD 0.00026 and 0.00027; ESP Exome Variant Server 0.00059; 1000 Genomes Project 30x 0.00062; 1000 Genomes Project 0.00080.
gnomAD v4.1: 72 of 1,614,034 alleles (0.0045%); highest among the groups gnomAD compares: African/African-American, 0.083%; no homozygotes.

Submissions (4):

Labcorp Genetics (formerly Invitae), Labcorp
Classification: Likely benign. Last evaluated: 2026-01-02. Review status: criteria provided, single submitter. Criteria: Invitae Variant Classification Sherloc (09022015). Collection method: clinical testing. Allele origin: germline.

Ambry Genetics
Classification: Uncertain significance for Inborn genetic diseases. Last evaluated: 2025-08-25. Review status: criteria provided, single submitter. Criteria: Ambry Variant Classification Scheme 2023. Collection method: clinical testing. Allele origin: germline.

GeneDx
Classification: Uncertain significance. Last evaluated: 2024-04-15. Review status: criteria provided, single submitter. Criteria: GeneDx Variant Classification Process June 2021. Collection method: clinical testing. Allele origin: germline. Affected: yes.
Comment: In silico analysis, which includes protein predictors and evolutionary conservation, supports a deleterious effect; Has not been previously published as pathogenic or benign to our knowledge

Blueprint Genetics
Classification: Uncertain significance. Last evaluated: 2021-12-30. Review status: criteria provided, single submitter. Criteria: ACMG Guidelines, 2015. Collection method: clinical testing. Allele origin: germline.